The following is an entry in ClinVar:

NM_000286.3(PEX12):c.126+2T>C

Gene: PEX12 (peroxisomal biogenesis factor 12; minus strand). Cytogenetic location: 17q12.
Variant type: single nucleotide variant.
Coding change: c.126+2T>C on transcript NM_000286.3 (MANE Select); the canonical splice donor site of the intron after coding-DNA position 126, T replaced by C.
Molecular consequence: splice donor variant.
Genome position (GRCh38, 1-based): chr17:35,577,894, A>G on the plus strand (T>C on the coding strand, the complement: PEX12 is on the minus strand). VCF-style: chr17-35577894-A-G. GRCh37 (hg19) VCF-style: chr17-33904913-A-G.
Identifiers: ClinVar variation 4735143 (VCV004735143.1).

ClinVar aggregate classification (germline): Pathogenic (1 of 4 stars; one submission).

Conditions:
Peroxisome biogenesis disorder 3A (Zellweger). Also called: PEROXISOMAL BIOGENESIS DISORDER 3A (ZELLWEGER); Peroxisome biogenesis disorder 3A. Identifiers: Orphanet 912, MedGen C3553929, MONDO:0013927, OMIM 614859.

Submission:

Labcorp Genetics (formerly Invitae), Labcorp
Classification: Pathogenic for Peroxisome biogenesis disorder 3A (Zellweger). Last evaluated: 2026-01-19. Review status: criteria provided, single submitter. Criteria: Invitae Variant Classification Sherloc (09022015). Collection method: clinical testing. Allele origin: germline.
Comment: This sequence change affects a donor splice site in intron 1 of the PEX12 gene. It is expected to disrupt RNA splicing. Variants that disrupt the donor or acceptor splice site typically lead to a loss of protein function (PMID: 16199547), and loss-of-function variants in PEX12 are known to be pathogenic (PMID: 9090384, 9632816, 21031596). This variant is not present in population databases (gnomAD no frequency). Disruption of this splice site has been observed in individuals with PEX12-related conditions (PMID: 9792857, 21031596). Algorithms developed to predict the effect of sequence changes on RNA splicing suggest that this variant may disrupt the consensus splice site. For these reasons, this variant has been classified as Pathogenic.

Literature cited by the submitters: PubMed 16199547; PubMed 9090384; PubMed 9632816; PubMed 21031596; PubMed 9792857.